The following is an entry in ClinVar:

NM_152564.5(VPS13B):c.6581_6582dup (p.Lys2195fs)

Gene: VPS13B (vacuolar protein sorting 13 homolog B; plus strand). Cytogenetic location: 8q22.2.
Variant type: Microsatellite.
Coding change: c.6581_6582dup on transcript NM_152564.5 (MANE Select); coding-DNA positions 6581 to 6582, 2 bases duplicated (GT; older notation c.6581_6582dupGT).
Protein change: p.Lys2195fs; shifts the reading frame from lysine 2195.
Molecular consequence: frameshift variant.
Genome position (GRCh38, 1-based): chr8:99,717,297-99,717,298, GT duplicated; duplicating any 2 consecutive bases within chr8:99,717,295-99,717,298 gives the same sequence; the c. name uses the placement nearest the transcript's 3' end. VCF-style (leftmost placement, unchanged base first): chr8-99717294-G-GGT. GRCh37 (hg19) VCF-style: chr8-100729522-G-GGT.
Other names: c.6654_6655GT[3], p.Lys2220Valfs (NM_017890.4); c.6656_6657dup, p.Lys2220fs (NM_017890.5); c.6656_6657dup (NM_017890.4); short protein forms K2195fs, K2220fs.
Identifiers: ClinVar variation 4063135 (VCV004063135.3).

ClinVar aggregate classification (germline): Pathogenic/Likely pathogenic. Review status: criteria provided, multiple submitters, no conflicts (2 of 4 stars). 2 submissions from 2 submitters: Pathogenic (1); Likely pathogenic (1). Last evaluated 2025-04-15.

Conditions:
Cohen syndrome (COH1). Also called: PEPPER SYNDROME; Cutis verticis gyrata, retinitis pigmentosa, and sensorineural deafness. Identifiers: Orphanet 193, MedGen C0265223, MONDO:0008999, OMIM 216550.

Submissions (2):

Natera, Inc.
Classification: Likely pathogenic for Cohen syndrome. Last evaluated: 2025-04-15. Review status: criteria provided, single submitter. Criteria: Natera Variant Classification Schema (03/2026). Collection method: clinical testing. Allele origin: germline.
Comment: The c.6656_6657dup variant in VPS13B is a frameshift variant predicted to shift the reading frame beginning at codon 2220 and leads to a stop codon 20 codons downstream. This variant is expected to result in nonsense mediated decay, truncation, or a dysfunctional protein product. This variant is rare in the general population with a frequency below the threshold expected for the associated phenotype(s). Given the available evidence, this variant is classified as Likely Pathogenic.

Labcorp Genetics (formerly Invitae), Labcorp
Classification: Pathogenic for Cohen syndrome. Last evaluated: 2025-03-05. Review status: criteria provided, single submitter. Criteria: Invitae Variant Classification Sherloc (09022015). Collection method: clinical testing. Allele origin: germline.
Comment: This sequence change creates a premature translational stop signal (p.Lys2220Valfs*20) in the VPS13B gene. It is expected to result in an absent or disrupted protein product. Loss-of-function variants in VPS13B are known to be pathogenic (PMID: 15141358, 16648375, 20461111). This variant is not present in population databases (gnomAD no frequency). This variant has not been reported in the literature in individuals affected with VPS13B-related conditions. For these reasons, this variant has been classified as Pathogenic.

Literature cited by the submitters: PubMed 15141358 (cited by Labcorp Genetics (formerly Invitae), Labcorp); PubMed 16648375 (cited by Labcorp Genetics (formerly Invitae), Labcorp); PubMed 20461111 (cited by Labcorp Genetics (formerly Invitae), Labcorp).